The following is an entry in ClinVar:

ClinVar aggregate classification (germline): Pathogenic. Review status: criteria provided, multiple submitters, no conflicts (2 of 4 stars). 2 submissions from 2 submitters: Pathogenic (2). Last evaluated 2026-03-21.

Conditions:
Hermansky-Pudlak syndrome 1 (HPS1). Also called: DELTA STORAGE POOL DISEASE. Identifiers: Orphanet 231500, Orphanet 79430, MedGen C2931875, MONDO:0008748, OMIM 203300.

Submissions (2):

Myriad Genetics, Inc.
Classification: Pathogenic for Hermansky-Pudlak syndrome 1. Last evaluated: 2026-03-21. Review status: criteria provided, single submitter. Criteria: Myriad Autosomal Dominant, Autosomal Recessive and X-Linked Classification Criteria (2023). Collection method: clinical testing. Allele origin: unknown.
Comment: NM_000195.3(HPS1):c.735C>A(Y245*) is expected to be pathogenic in the context of Hermansky-Pudlak syndrome, HPS1-related. This variant is predicted to lead to an abnormal or absent protein product due to the creation of a premature termination codon in HPS1, a gene where loss-of-function variants are known to be pathogenic. Please note: this variant was assessed in the context of healthy population screening.

Labcorp Genetics (formerly Invitae), Labcorp
Classification: Pathogenic. Last evaluated: 2023-11-19. Review status: criteria provided, single submitter. Criteria: Invitae Variant Classification Sherloc (09022015). Collection method: clinical testing. Allele origin: germline.
Comment: This sequence change creates a premature translational stop signal (p.Tyr245*) in the HPS1 gene. It is expected to result in an absent or disrupted protein product. Loss-of-function variants in HPS1 are known to be pathogenic (PMID: 12442288, 16185271). This variant is not present in population databases (gnomAD no frequency). This variant has not been reported in the literature in individuals affected with HPS1-related conditions. Algorithms developed to predict the effect of sequence changes on RNA splicing suggest that this variant may disrupt the consensus splice site. For these reasons, this variant has been classified as Pathogenic.

Literature cited by the submitters: PubMed 12442288 (cited by Labcorp Genetics (formerly Invitae), Labcorp); PubMed 16185271 (cited by Labcorp Genetics (formerly Invitae), Labcorp).

NM_000195.5(HPS1):c.735C>A (p.Tyr245Ter)

Gene: HPS1 (HPS1 biogenesis of lysosomal organelles complex 3 subunit 1; minus strand). Cytogenetic location: 10q24.2.
Variant type: single nucleotide variant.
Coding change: c.735C>A on transcript NM_000195.5 (MANE Select); coding-DNA position 735, C replaced by A.
Protein change: p.Tyr245Ter; replaces tyrosine 245 with a stop codon.
Molecular consequence: nonsense. On other transcripts: 5 prime UTR variant (3), missense variant (2).
Genome position (GRCh38, 1-based): chr10:98,430,604, G>T on the plus strand (C>A on the coding strand, the complement: HPS1 is on the minus strand). VCF-style: chr10-98430604-G-T. GRCh37 (hg19) VCF-style: chr10-100190361-G-T.
Other names: c.-139C>A (NM_001311345.2, NM_001322489.2); c.735C>A, p.Tyr245Ter (NM_001322476.2, NM_001322477.2, NM_001322478.2 and 3 more transcripts); c.474C>A, p.Tyr158Ter (NM_001322480.2, NM_001322481.2, NM_001322482.2); c.366C>A, p.Tyr122Ter (NM_001322483.2, NM_001322484.2, NM_001322485.2); c.-238C>A (NM_001322487.2); c.617C>A, p.Thr206Asn (NM_001322490.2, NM_001322492.2); short protein forms Y245*, Y158*, T206N, Y122*.
Identifiers: ClinVar variation 2880733 (VCV002880733.4), dbSNP rs2538919605, ClinGen allele CA378052010.